The following is an entry in ClinVar:

ClinVar aggregate classification (germline): Conflicting classifications of pathogenicity. Review status: criteria provided, conflicting classifications (1 of 4 stars). 3 submissions from 3 submitters: Likely pathogenic (1); Uncertain significance (2). Last evaluated 2025-08-27.

Allele frequency attached by ClinVar (database versions not stated): TOPMed below 0.00001; gnomAD 0.00001.
gnomAD v4.1: 1 of 1,614,026 alleles (0.000062%); highest among the groups gnomAD compares: Admixed American, 0.0017%; no homozygotes.

Submissions (3):

Mayo Clinic Laboratories, Mayo Clinic
Classification: Likely pathogenic. Last evaluated: 2025-08-27. Review status: criteria provided, single submitter. Criteria: ACMG Guidelines, 2015. Collection method: clinical testing. Allele origin: germline. Observed: 1 variant allele.
Comment: PP3_moderate, PM2_supporting, PS4

Blueprint Genetics
Classification: Uncertain significance. Last evaluated: 2021-04-15. Review status: criteria provided, single submitter. Criteria: ACMG Guidelines, 2015. Collection method: clinical testing. Allele origin: germline.

GeneDx
Classification: Uncertain significance. Last evaluated: 2020-06-24. Review status: criteria provided, single submitter. Criteria: GeneDx Variant Classification Process June 2021. Collection method: clinical testing. Allele origin: germline. Affected: yes.
Comment: Not observed in large population cohorts (Lek et al., 2016); In silico analysis supports that this missense variant has a deleterious effect on protein structure/function; This variant is associated with the following publications: (PMID: 30349899)

Literature cited by the submitters: PubMed 30349899 (cited by Mayo Clinic Laboratories, Mayo Clinic); PubMed 35073585 (cited by Mayo Clinic Laboratories, Mayo Clinic).

NM_005141.5(FGB):c.1124A>G (p.Tyr375Cys)

Gene: FGB (fibrinogen beta chain; plus strand). Cytogenetic location: 4q31.3.
Variant type: single nucleotide variant.
Coding change: c.1124A>G on transcript NM_005141.5 (MANE Select); coding-DNA position 1124, A replaced by G.
Protein change: p.Tyr375Cys; replaces tyrosine 375 with cysteine.
Molecular consequence: missense variant. On other transcripts: intron variant (1).
Genome position (GRCh38, 1-based): chr4:154,569,679, A>G. VCF-style: chr4-154569679-A-G. GRCh37 (hg19) VCF-style: chr4-155490831-A-G.
Other names: p.Tyr375Cys; c.1124A>G, p.Tyr375Cys (NM_001382765.1, NM_001382760.1, NM_001382761.1); c.1080+44A>G (NM_001382764.1); c.947A>G, p.Tyr316Cys (NM_001184741.1); c.992A>G, p.Tyr331Cys (NM_001382759.1); c.824A>G, p.Tyr275Cys (NM_001382762.1); c.1115A>G, p.Tyr372Cys (NM_001382763.1); short protein forms Y275C, Y316C, Y331C, Y372C, Y375C.
Identifiers: ClinVar variation 1308334 (VCV001308334.4), dbSNP rs1282469317, ClinGen allele CA358515201.
Genomic context (GRCh38, chr4:154,569,679, plus strand): 5'-ACTATGGAGGATTCACTGTACAGAATGAAGCCAACAAATACCAGATCTCAGTGAACAAAT[A>G]CAGAGGAACAGCCGGTAATGCCCTCATGGATGGAGCATCTCAGCTGATGGGAGAAAACAG-3'
Protein context (NP_005132.2, residues 365-385): ANKYQISVNK[Tyr375Cys]RGTAGNALMD